The following is an entry in ClinVar:

NM_005033.3(EXOSC9):c.814G>A (p.Asp272Asn)

Gene: EXOSC9 (exosome component 9; plus strand). Cytogenetic location: 4q27.
Variant type: single nucleotide variant.
Coding change: c.814G>A on transcript NM_005033.3 (MANE Select); coding-DNA position 814, G replaced by A.
Protein change: p.Asp272Asn; replaces aspartic acid 272 with asparagine.
Molecular consequence: missense variant.
Genome position (GRCh38, 1-based): chr4:121,811,658, G>A. VCF-style: chr4-121811658-G-A. GRCh37 (hg19) VCF-style: chr4-122732813-G-A.
Other names: c.814G>A, p.Asp272Asn (NM_001034194.2); c.814G>A (NM_001034194.1); short protein forms D272N.
Identifiers: ClinVar variation 1355849 (VCV001355849.6), dbSNP rs370403131, ClinGen allele CA3063531.

ClinVar aggregate classification (germline): Uncertain significance. Review status: criteria provided, multiple submitters, no conflicts (2 of 4 stars). 2 submissions from 2 submitters: Uncertain significance (2). Last evaluated 2025-08-06.

Conditions:
Inborn genetic diseases. Identifiers: MedGen C0950123, MeSH D030342.

Allele frequency attached by ClinVar (database versions not stated): gnomAD 0.00002; gnomAD exomes 0.00002; ExAC 0.00003; TOPMed 0.00005; ESP Exome Variant Server 0.00008.
gnomAD v4.1: 14 of 1,556,782 alleles (0.0009%); highest among the groups gnomAD compares: African/African-American, 0.016%; no homozygotes.

Submissions (2):

Ambry Genetics
Classification: Uncertain significance for Inborn genetic diseases. Last evaluated: 2025-08-06. Review status: criteria provided, single submitter. Criteria: Ambry Variant Classification Scheme 2023. Collection method: clinical testing. Allele origin: germline.

Labcorp Genetics (formerly Invitae), Labcorp
Classification: Uncertain significance. Last evaluated: 2021-09-17. Review status: criteria provided, single submitter. Criteria: Invitae Variant Classification Sherloc (09022015). Collection method: clinical testing. Allele origin: germline.
Comment: This sequence change replaces aspartic acid with asparagine at codon 272 of the EXOSC9 protein (p.Asp272Asn). The aspartic acid residue is highly conserved and there is a small physicochemical difference between aspartic acid and asparagine. This variant is present in population databases (rs370403131, ExAC 0.03%). This variant has not been reported in the literature in individuals affected with EXOSC9-related conditions. Algorithms developed to predict the effect of missense changes on protein structure and function are either unavailable or do not agree on the potential impact of this missense change (SIFT: "Deleterious"; PolyPhen-2: "Benign"; Align-GVGD: "Class C15"). In summary, the available evidence is currently insufficient to determine the role of this variant in disease. Therefore, it has been classified as a Variant of Uncertain Significance.